The following is an entry in ClinVar:

NM_001126108.2(SLC12A3):c.1698C>A (p.Asn566Lys)

Gene: SLC12A3 (solute carrier family 12 member 3; plus strand). Cytogenetic location: 16q13.
Variant type: single nucleotide variant.
Coding change: c.1698C>A on transcript NM_001126108.2 (MANE Select); coding-DNA position 1698, C replaced by A.
Protein change: p.Asn566Lys; replaces asparagine 566 with lysine.
Molecular consequence: missense variant.
Genome position (GRCh38, 1-based): chr16:56,884,077, C>A. VCF-style: chr16-56884077-C-A. GRCh37 (hg19) VCF-style: chr16-56917989-C-A.
Other names: c.1698C>A, p.Asn566Lys (NM_000339.3); c.1695C>A, p.Asn565Lys (NM_001126107.2); short protein forms N565K, N566K.
Identifiers: ClinVar variation 763797 (VCV000763797.13), dbSNP rs757776621, ClinGen allele CA8069579.

ClinVar aggregate classification (germline): Conflicting classifications of pathogenicity. Review status: criteria provided, conflicting classifications (1 of 4 stars). 4 submissions from 4 submitters: Uncertain significance (1); Benign (1); Likely benign (1). 1 of the submissions does not count toward it. Last evaluated 2025-10-09.

Conditions:
SLC12A3-related disorder. Also called: SLC12A3-related condition.
Familial hypokalemia-hypomagnesemia (GTLMNS). Also called: HYPOMAGNESEMIA-HYPOKALEMIA, PRIMARY RENOTUBULAR, WITH HYPOCALCIURIA; POTASSIUM AND MAGNESIUM DEPLETION; gitelman syndrome. Identifiers: Orphanet 358, MedGen C0268450, MONDO:0009904, OMIM 263800.

Allele frequency attached by ClinVar (database versions not stated): TOPMed 0.00022; gnomAD 0.00038.
gnomAD v4.1: 146 of 1,614,108 alleles (0.009%); highest among the groups gnomAD compares: East Asian, 0.32%; 1 homozygote.

Submissions (4):

Labcorp Genetics (formerly Invitae), Labcorp
Classification: Benign. Last evaluated: 2025-10-09. Review status: criteria provided, single submitter. Criteria: Invitae Variant Classification Sherloc (09022015). Collection method: clinical testing. Allele origin: germline.

PreventionGenetics, part of Exact Sciences
Classification: Likely benign for SLC12A3-related condition. Last evaluated: 2024-10-14. Review status: criteria provided, single submitter. Criteria: ACMG Guidelines, 2015. Collection method: clinical testing. Allele origin: germline.
Comment: This variant is classified as likely benign based on ACMG/AMP sequence variant interpretation guidelines (Richards et al. 2015 PMID: 25741868, with internal and published modifications).

Fulgent Genetics
Classification: Uncertain significance for Familial hypokalemia-hypomagnesemia. Last evaluated: 2024-05-07. Review status: criteria provided, single submitter. Criteria: ACMG Guidelines, 2015. Collection method: clinical testing. Allele origin: germline.

Natera, Inc.
Classification: Likely benign for Gitelman syndrome. Last evaluated: 2020-07-29. Review status: no assertion criteria provided. Collection method: clinical testing. Allele origin: germline. Not counted in ClinVar's aggregate classification.